The following is an entry in ClinVar:

ClinVar aggregate classification (germline): Uncertain significance (1 of 4 stars; one submission).

Submission:

Labcorp Genetics (formerly Invitae), Labcorp
Classification: Uncertain significance. Last evaluated: 2023-04-18. Review status: criteria provided, single submitter. Criteria: Invitae Variant Classification Sherloc (09022015). Collection method: clinical testing. Allele origin: germline.
Comment: Advanced modeling of protein sequence and biophysical properties (such as structural, functional, and spatial information, amino acid conservation, physicochemical variation, residue mobility, and thermodynamic stability) performed at Invitae indicates that this missense variant is not expected to disrupt GRIA3 protein function. In summary, the available evidence is currently insufficient to determine the role of this variant in disease. Therefore, it has been classified as a Variant of Uncertain Significance. This sequence change replaces valine, which is neutral and non-polar, with methionine, which is neutral and non-polar, at codon 55 of the GRIA3 protein (p.Val55Met). This variant is not present in population databases (gnomAD no frequency). This variant has not been reported in the literature in individuals affected with GRIA3-related conditions.

NM_007325.5(GRIA3):c.163G>A (p.Val55Met)

Gene: GRIA3 (glutamate ionotropic receptor AMPA type subunit 3; plus strand). Cytogenetic location: Xq25.
Variant type: single nucleotide variant.
Coding change: c.163G>A on transcript NM_007325.5 (MANE Select); coding-DNA position 163, G replaced by A.
Protein change: p.Val55Met; replaces valine 55 with methionine.
Molecular consequence: missense variant.
Genome position (GRCh38, 1-based): chrX:123,185,885, G>A. VCF-style: chrX-123185885-G-A. GRCh37 (hg19) VCF-style: chrX-122319737-G-A.
Other names: c.163G>A, p.Val55Met (NM_000828.5, NM_001256743.2); short protein forms V55M.
Identifiers: ClinVar variation 2796043 (VCV002796043.3), dbSNP rs1927258484, ClinGen allele CA414255179.